The following is an entry in ClinVar:

ClinVar aggregate classification (germline): Likely benign (1 of 4 stars; one submission).

Allele frequency attached by ClinVar (database versions not stated): 1000 Genomes Project 30x 0.01515; gnomAD 0.02559 and 0.02581.

Submission:

GeneDx
Classification: Likely benign. Last evaluated: 2018-06-14. Review status: criteria provided, single submitter. Criteria: GeneDx Variant Classification (06012015). Collection method: clinical testing. Allele origin: germline. Affected: yes.
Comment: This variant is considered likely benign or benign based on one or more of the following criteria: it is a conservative change, it occurs at a poorly conserved position in the protein, it is predicted to be benign by multiple in silico algorithms, and/or has population frequency not consistent with disease.

NM_001130438.3(SPTAN1):c.504+159_504+160insGC

Gene: SPTAN1 (spectrin alpha, non-erythrocytic 1; plus strand). Cytogenetic location: 9q34.11.
Variant type: Insertion.
Coding change: c.504+159_504+160insGC on transcript NM_001130438.3 (MANE Select); bases 159 to 160 of the intron after coding-DNA position 504, GC inserted.
Molecular consequence: intron variant.
Genome position: GRCh38 VCF-style: chr9-128574974-A-AGC. GRCh37 (hg19) VCF-style: chr9-131337253-A-AGC.
Other names: c.504+159_504+160insGC (NM_001363759.2, NM_003127.4, NM_001363765.2 and 1 more transcripts).
Identifiers: ClinVar variation 673100 (VCV000673100.1), dbSNP rs767942809, ClinGen allele CA200430348.